The following is an entry in ClinVar:

NM_001199397.3(NEK1):c.1843A>C (p.Asn615His)

Gene: NEK1 (NIMA related kinase 1; minus strand). Cytogenetic location: 4q33.
Variant type: single nucleotide variant.
Coding change: c.1843A>C on transcript NM_001199397.3 (MANE Select); coding-DNA position 1843, A replaced by C.
Protein change: p.Asn615His; replaces asparagine 615 with histidine.
Molecular consequence: missense variant. On other transcripts: non-coding transcript variant (1).
Genome position (GRCh38, 1-based): chr4:169,507,783, T>G on the plus strand (A>C on the coding strand, the complement: NEK1 is on the minus strand). VCF-style: chr4-169507783-T-G. GRCh37 (hg19) VCF-style: chr4-170428934-T-G.
Other names: c.1711A>C, p.Asn571His (NM_001199398.3, NM_001440622.1); c.1552A>C, p.Asn518His (NM_001199399.3); c.1627A>C, p.Asn543His (NM_001199400.3, NM_001440623.1); c.1843A>C, p.Asn615His (NM_001374418.1, NM_001440620.1); c.1759A>C, p.Asn587His (NM_001374419.1, NM_001440621.1, NM_012224.4); c.1708A>C, p.Asn570His (NM_001374420.1); c.1633A>C, p.Asn545His (NM_001374421.1); c.1138A>C, p.Asn380His (NM_001440624.1); and 1 more; short protein forms N336H, N380H, N518H, N543H, N545H, N570H, N571H, N587H.
Identifiers: ClinVar variation 4822746 (VCV004822746.4).

ClinVar aggregate classification (germline): Uncertain significance (1 of 4 stars; one submission).

gnomAD v4.1: 1 of 1,612,534 alleles (0.000062%); highest among the groups gnomAD compares: South Asian, 0.0011%; no homozygotes.

Submission:

CeGaT Center for Human Genetics Tuebingen
Classification: Uncertain significance. Last evaluated: 2026-02-01. Review status: criteria provided, single submitter. Criteria: CeGaT Center For Human Genetics Tuebingen Variant Classification Criteria Version 2. Collection method: clinical testing. Allele origin: germline. Affected: yes. Observed: 1 variant allele.
Comment: NEK1: PM2, BP4